The following is an entry in ClinVar:

NM_000059.4(BRCA2):c.2617A>C (p.Ile873Leu)

Gene: BRCA2 (BRCA2 DNA repair associated; plus strand). Cytogenetic location: 13q13.1.
Variant type: single nucleotide variant.
Coding change: c.2617A>C on transcript NM_000059.4 (MANE Select); coding-DNA position 2617, A replaced by C.
Protein change: p.Ile873Leu; replaces isoleucine 873 with leucine.
Molecular consequence: missense variant.
Genome position (GRCh38, 1-based): chr13:32,336,972, A>C. VCF-style: chr13-32336972-A-C. GRCh37 (hg19) VCF-style: chr13-32911109-A-C.
Other names: short protein forms I873L.
Identifiers: ClinVar variation 923918 (VCV000923918.7), dbSNP rs2072461250, ClinGen allele CA387773180.

ClinVar aggregate classification (germline): Conflicting classifications of pathogenicity. Review status: criteria provided, conflicting classifications (1 of 4 stars). 3 submissions from 3 submitters: Uncertain significance (2); Likely benign (1). Last evaluated 2024-11-05.

Conditions:
Hereditary cancer-predisposing syndrome. Also called: Neoplastic Syndromes, Hereditary; Tumor predisposition; Hereditary Cancer Syndrome; Hereditary neoplastic syndrome. Identifiers: Orphanet 140162, MedGen C0027672, MeSH D009386, MONDO:0015356.

Submissions (3):

Color Diagnostics, LLC DBA Color Health
Classification: Uncertain significance for Hereditary cancer-predisposing syndrome. Last evaluated: 2024-11-05. Review status: criteria provided, single submitter. Criteria: ACMG Guidelines, 2015. Collection method: clinical testing. Allele origin: germline.
Comment: This missense variant replaces isoleucine with leucine at codon 873 of the BRCA2 protein. Computational prediction suggests that this variant may not impact protein structure and function. To our knowledge, functional studies have not been reported for this variant. This variant has not been reported in individuals affected with BRCA2-related disorders in the literature. This variant has not been identified in the general population by the Genome Aggregation Database (gnomAD). The available evidence is insufficient to determine the role of this variant in disease conclusively. Therefore, this variant is classified as a Variant of Uncertain Significance.

Ambry Genetics
Classification: Uncertain significance for Hereditary cancer-predisposing syndrome. Last evaluated: 2024-06-17. Review status: criteria provided, single submitter. Criteria: Ambry Variant Classification Scheme 2023. Collection method: clinical testing. Allele origin: germline.
Comment: The p.I873L variant (also known as c.2617A>C), located in coding exon 10 of the BRCA2 gene, results from an A to C substitution at nucleotide position 2617. The isoleucine at codon 873 is replaced by leucine, an amino acid with highly similar properties. This amino acid position is conserved. In addition, this alteration is predicted to be tolerated by in silico analysis. Based on the available evidence, the clinical significance of this variant remains unclear.

University of Washington Department of Laboratory Medicine, University of Washington
Classification: Likely benign for Hereditary cancer-predisposing syndrome. Last evaluated: 2023-03-23. Review status: criteria provided, single submitter. Criteria: Dines et al. (Genet Med. 2020). Collection method: curation. Allele origin: germline.
Comment: Missense variant in a coldspot region where missense variants are very unlikely to be pathogenic (PMID:31911673).

BRCA2 exon 11 coldspot. Reclassification based on statistical prior probability.